The following is an entry in ClinVar:

ClinVar aggregate classification (germline): Uncertain significance (1 of 4 stars; one submission).

Conditions:
Pheochromocytoma. Also called: MAX-Related Hereditary Paraganglioma-Pheochromocytoma Syndrome. Identifiers: Orphanet 29072, MedGen C0031511, MONDO:0008233, OMIM 171300, HP:0002666.

Submission:

St. Jude Molecular Pathology, St. Jude Children's Research Hospital
Classification: Uncertain significance for Pheochromocytoma. Last evaluated: 2024-08-09. Review status: criteria provided, single submitter. Criteria: St. Jude Assertion Criteria 2020. Collection method: clinical testing. Allele origin: germline.
Comment: The KIF1B c.5133C>A (p.Asp1711Glu) missense change is absent in gnomAD v2.1.1. The in silico tool REVEL predicts a benign effect on protein function, but to our knowledge this prediction has not been confirmed by functional studies. To our knowledge, this variant has not been reported in individuals with pheochromocytoma or neuroblastoma. In summary, the evidence currently available is insufficient to determine the clinical significance of this variant. It has therefore been classified as of uncertain significance.

NM_001365951.3(KIF1B):c.5271C>A (p.Asp1757Glu)

Gene: KIF1B (kinesin family member 1B; plus strand). Cytogenetic location: 1p36.22.
Variant type: single nucleotide variant.
Coding change: c.5271C>A on transcript NM_001365951.3 (MANE Select); coding-DNA position 5271, C replaced by A.
Protein change: p.Asp1757Glu; replaces aspartic acid 1757 with glutamic acid.
Molecular consequence: missense variant.
Genome position (GRCh38, 1-based): chr1:10,375,028, C>A. VCF-style: chr1-10375028-C-A. GRCh37 (hg19) VCF-style: chr1-10435086-C-A.
Other names: c.5271C>A, p.Asp1757Glu (NM_001365952.1); c.5133C>A, p.Asp1711Glu (NM_015074.3); short protein forms D1711E, D1757E.
Identifiers: ClinVar variation 3602672 (VCV003602672.1).